The following is an entry in ClinVar:

ClinVar aggregate classification (germline): Uncertain significance (1 of 4 stars; one submission).

Conditions:
Cardiovascular phenotype. Identifiers: MedGen CN230736.

Submission:

Ambry Genetics
Classification: Uncertain significance for Cardiovascular phenotype. Last evaluated: 2024-09-17. Review status: criteria provided, single submitter. Criteria: Ambry Variant Classification Scheme 2023. Collection method: clinical testing. Allele origin: germline.
Comment: The p.R383I variant (also known as c.1148G>T), located in coding exon 1 of the ZNF469 gene, results from a G to T substitution at nucleotide position 1148. The arginine at codon 383 is replaced by isoleucine, an amino acid with similar properties. This amino acid position is conserved. In addition, this alteration is predicted to be tolerated by in silico analysis. Based on the available evidence, the clinical significance of this variant remains unclear.

NM_001367624.2(ZNF469):c.1148G>T (p.Arg383Ile)

Gene: ZNF469 (zinc finger protein 469; plus strand). Cytogenetic location: 16q24.2.
Variant type: single nucleotide variant.
Coding change: c.1148G>T on transcript NM_001367624.2 (MANE Select); coding-DNA position 1148, G replaced by T.
Protein change: p.Arg383Ile; replaces arginine 383 with isoleucine.
Molecular consequence: missense variant.
Genome position (GRCh38, 1-based): chr16:88,428,618, G>T. VCF-style: chr16-88428618-G-T. GRCh37 (hg19) VCF-style: chr16-88495026-G-T.
Other names: NM_001127464.1:c.1148G>T; short protein forms R383I.
Identifiers: ClinVar variation 3476214 (VCV003476214.1).